The following is an entry in ClinVar:

ClinVar aggregate classification (germline): Uncertain significance (1 of 4 stars; one submission).

Conditions:
Idiopathic generalized epilepsy. Also called: EIG; Generalised epilepsy. Identifiers: MedGen C0270850, MONDO:0005579, OMIM 600669.

Allele frequency attached by ClinVar (database versions not stated): gnomAD exomes 0.00002; gnomAD 0.00011 and 0.00012; TOPMed 0.00013.
gnomAD v4.1: 29 of 1,550,718 alleles (0.0019%); highest among the groups gnomAD compares: African/African-American, 0.037%; no homozygotes.

Submission:

Labcorp Genetics (formerly Invitae), Labcorp
Classification: Uncertain significance for Idiopathic generalized epilepsy. Last evaluated: 2024-05-28. Review status: criteria provided, single submitter. Criteria: Invitae Variant Classification Sherloc (09022015). Collection method: clinical testing. Allele origin: germline.
Comment: This sequence change falls in intron 9 of the RBFOX3 gene. It does not directly change the encoded amino acid sequence of the RBFOX3 protein. It affects a nucleotide within the consensus splice site. This variant is present in population databases (no rsID available, gnomAD 0.03%). This variant has not been reported in the literature in individuals affected with RBFOX3-related conditions. ClinVar contains an entry for this variant (Variation ID: 580073). Variants that disrupt the consensus splice site are a relatively common cause of aberrant splicing (PMID: 17576681, 9536098). Algorithms developed to predict the effect of sequence changes on RNA splicing suggest that this variant is not likely to affect RNA splicing. In summary, the available evidence is currently insufficient to determine the role of this variant in disease. Therefore, it has been classified as a Variant of Uncertain Significance.

Literature cited by the submitters: PubMed 17576681; PubMed 9536098.

NM_001350451.2(RBFOX3):c.568+6G>C

Gene: RBFOX3 (RNA binding fox-1 homolog 3; minus strand). Cytogenetic location: 17q25.3.
Variant type: single nucleotide variant.
Coding change: c.568+6G>C on transcript NM_001350451.2 (MANE Select); 6 bases into the intron after coding-DNA position 568, G replaced by C.
Molecular consequence: intron variant.
Genome position (GRCh38, 1-based): chr17:79,101,578, C>G on the plus strand (G>C on the coding strand, the complement: RBFOX3 is on the minus strand). VCF-style: chr17-79101578-C-G. GRCh37 (hg19) VCF-style: chr17-77097660-C-G.
Other names: c.568+6G>C (NM_001385807.1, NM_001385838.1, NM_001385842.1 and 34 more transcripts); c.565+6G>C (NM_001385846.1, NM_001385822.1, NM_001385845.1 and 4 more transcripts); c.475+6G>C (NM_001385824.1); c.421+6G>C (NM_001385847.1).
Identifiers: ClinVar variation 580073 (VCV000580073.10), dbSNP rs953699995, ClinGen allele CA294788483.